The following is an entry in ClinVar:

NM_022437.3(ABCG8):c.644G>C (p.Gly215Ala)

Gene: ABCG8 (ATP binding cassette subfamily G member 8; plus strand). Cytogenetic location: 2p21.
Variant type: single nucleotide variant.
Coding change: c.644G>C on transcript NM_022437.3 (MANE Select); coding-DNA position 644, G replaced by C.
Protein change: p.Gly215Ala; replaces glycine 215 with alanine.
Molecular consequence: missense variant.
Genome position (GRCh38, 1-based): chr2:43,852,436, G>C. VCF-style: chr2-43852436-G-C. GRCh37 (hg19) VCF-style: chr2-44079575-G-C.
Other names: c.644G>C, p.Gly215Ala (NM_001357321.2); short protein forms G215A.
Identifiers: ClinVar variation 3888354 (VCV003888354.1).

ClinVar aggregate classification (germline): Uncertain significance (1 of 4 stars; one submission).

Conditions:
Cardiovascular phenotype. Identifiers: MedGen CN230736.

Submission:

Ambry Genetics
Classification: Uncertain significance for Cardiovascular phenotype. Last evaluated: 2025-02-27. Review status: criteria provided, single submitter. Criteria: Ambry Variant Classification Scheme 2023. Collection method: clinical testing. Allele origin: germline.
Comment: The p.G215A variant (also known as c.644G>C), located in coding exon 5 of the ABCG8 gene, results from a G to C substitution at nucleotide position 644. The glycine at codon 215 is replaced by alanine, an amino acid with similar properties. This amino acid position is conserved. In addition, this alteration is predicted to be deleterious by in silico analysis. Based on the available evidence, the clinical significance of this variant remains unclear.